The following is an entry in ClinVar:

ClinVar aggregate classification (germline): Likely benign. Review status: criteria provided, multiple submitters, no conflicts (2 of 4 stars). 3 submissions from 3 submitters: Likely benign (2). 1 of the submissions does not count toward it. Last evaluated 2025-12-17.

Conditions:
C1QBP-related disorder. Also called: C1QBP-related condition.

Allele frequency attached by ClinVar (database versions not stated): TOPMed 0.00006; gnomAD 0.00007; ExAC 0.00009.

Submissions (3):

Labcorp Genetics (formerly Invitae), Labcorp
Classification: Likely benign. Last evaluated: 2025-12-17. Review status: criteria provided, single submitter. Criteria: Invitae Variant Classification Sherloc (09022015). Collection method: clinical testing. Allele origin: germline.

Blueprint Genetics
Classification: Likely benign. Last evaluated: 2024-10-15. Review status: criteria provided, single submitter. Criteria: ACMG Guidelines, 2015. Collection method: clinical testing. Allele origin: germline.

PreventionGenetics, part of Exact Sciences
Classification: Likely benign for C1QBP-related condition. Last evaluated: 2019-12-20. Review status: no assertion criteria provided. Collection method: clinical testing. Allele origin: germline. Not counted in ClinVar's aggregate classification.
Comment: This variant is classified as likely benign based on ACMG/AMP sequence variant interpretation guidelines (Richards et al. 2015 PMID: 25741868, with internal and published modifications).

NM_001212.4(C1QBP):c.186C>G (p.Arg62=)

Gene: C1QBP (complement C1q binding protein; minus strand). Cytogenetic location: 17p13.2.
Variant type: single nucleotide variant.
Coding change: c.186C>G on transcript NM_001212.4 (MANE Select); coding-DNA position 186, C replaced by G.
Protein change: p.Arg62=; no amino-acid change (arginine 62 retained).
Molecular consequence: synonymous variant.
Genome position (GRCh38, 1-based): chr17:5,438,888, G>C on the plus strand (C>G on the coding strand, the complement: C1QBP is on the minus strand). VCF-style: chr17-5438888-G-C. GRCh37 (hg19) VCF-style: chr17-5342208-G-C.
Other names: c.186C>G (NM_001212.3).
Identifiers: ClinVar variation 2054342 (VCV002054342.7), dbSNP rs751994255, ClinGen allele CA8325358.